The following is an entry in ClinVar:

ClinVar aggregate classification (germline): Uncertain significance (1 of 4 stars; one submission).

Conditions:
Autoimmune interstitial lung disease-arthritis syndrome. Also called: Autoinflammation and autoimmunity, systemic, with immune dysregulation. Identifiers: Orphanet 444092, MedGen C5975714, MONDO:0014629.

Allele frequency attached by ClinVar (database versions not stated): gnomAD exomes below 0.00001 and 0.00002; ExAC 0.00003; TOPMed 0.00008; gnomAD 0.00009 and 0.00010; ESP Exome Variant Server 0.00015.
gnomAD v4.1: 19 of 1,613,690 alleles (0.0012%); highest among the groups gnomAD compares: African/African-American, 0.024%; no homozygotes.

Submission:

Labcorp Genetics (formerly Invitae), Labcorp
Classification: Uncertain significance for Autoimmune interstitial lung disease-arthritis syndrome. Last evaluated: 2025-07-30. Review status: criteria provided, single submitter. Criteria: Invitae Variant Classification Sherloc (09022015). Collection method: clinical testing. Allele origin: germline.
Comment: This sequence change falls in intron 21 of the COPA gene. It does not directly change the encoded amino acid sequence of the COPA protein. It affects a nucleotide within the consensus splice site. This variant is present in population databases (rs369758843, gnomAD 0.02%). This variant has not been reported in the literature in individuals affected with COPA-related conditions. ClinVar contains an entry for this variant (Variation ID: 933515). Variants that disrupt the consensus splice site are a relatively common cause of aberrant splicing (PMID: 17576681, 9536098). Algorithms developed to predict the effect of sequence changes on RNA splicing suggest that this variant may disrupt the consensus splice site. In summary, the available evidence is currently insufficient to determine the role of this variant in disease. Therefore, it has been classified as a Variant of Uncertain Significance.

Literature cited by the submitters: PubMed 17576681; PubMed 9536098.

NM_004371.4(COPA):c.2263+5G>A

Gene: COPA (coat protein complex I subunit alpha; minus strand). Cytogenetic location: 1q23.2.
Variant type: single nucleotide variant.
Coding change: c.2263+5G>A on transcript NM_004371.4 (MANE Select); 5 bases into the intron after coding-DNA position 2263, G replaced by A.
Molecular consequence: intron variant.
Genome position (GRCh38, 1-based): chr1:160,297,338, C>T on the plus strand (G>A on the coding strand, the complement: COPA is on the minus strand). VCF-style: chr1-160297338-C-T. GRCh37 (hg19) VCF-style: chr1-160267128-C-T.
Other names: c.2290+5G>A (NM_001098398.2).
Identifiers: ClinVar variation 933515 (VCV000933515.7), dbSNP rs369758843, ClinGen allele CA1197939.